The following is an entry in ClinVar:

NM_001458.5(FLNC):c.1869T>G (p.Asp623Glu)

Gene: FLNC (filamin C; plus strand). Cytogenetic location: 7q32.1.
Variant type: single nucleotide variant.
Coding change: c.1869T>G on transcript NM_001458.5 (MANE Select); coding-DNA position 1869, T replaced by G.
Protein change: p.Asp623Glu; replaces aspartic acid 623 with glutamic acid.
Molecular consequence: missense variant.
Genome position (GRCh38, 1-based): chr7:128,841,225, T>G. VCF-style: chr7-128841225-T-G. GRCh37 (hg19) VCF-style: chr7-128481279-T-G.
Other names: c.1869T>G, p.Asp623Glu (NM_001127487.2); short protein forms D623E.
Identifiers: ClinVar variation 3774690 (VCV003774690.2).
Genomic context (GRCh38, chr7:128,841,225, plus strand): 5'-CCCAGGCTTCTCCATCGAGGGGCCCTCACAAGCCAAGATCGAATGTGACGACAAGGGGGA[T>G]GGCTCCTGCGATGTGCGGTACTGGCCCACGGAGCCTGGGGAGTACGCTGTGCACGTCATC-3'
Protein context (NP_001449.3, residues 613-633): QAKIECDDKG[Asp623Glu]GSCDVRYWPT

ClinVar aggregate classification (germline): Uncertain significance. Review status: criteria provided, multiple submitters, no conflicts (2 of 4 stars). 2 submissions from 2 submitters: Uncertain significance (2). Last evaluated 2026-01-19.

Conditions:
Distal myopathy with posterior leg and anterior hand involvement. Also called: WILLIAMS DISTAL MYOPATHY. Identifiers: Orphanet 63273, MedGen C3279722, MONDO:0013550, OMIM 614065.
Myofibrillar myopathy 5. Also called: FILAMINOPATHY, AUTOSOMAL DOMINANT; Filaminopathy (type). Identifiers: Orphanet 171445, MedGen C1836050, MONDO:0012289, OMIM 609524.
Hypertrophic cardiomyopathy 26. Also called: Cardiomyopathy, familial hypertrophic, 26. Identifiers: Orphanet 75249, MedGen C4310749, MONDO:0014883, OMIM 617047.

Submissions (2):

Labcorp Genetics (formerly Invitae), Labcorp
Classification: Uncertain significance for Distal myopathy with posterior leg and anterior hand involvement; Myofibrillar myopathy 5; Hypertrophic cardiomyopathy 26. Last evaluated: 2026-01-19. Review status: criteria provided, single submitter. Criteria: Invitae Variant Classification Sherloc (09022015). Collection method: clinical testing. Allele origin: germline.
Comment: This sequence change replaces aspartic acid, which is acidic and polar, with glutamic acid, which is acidic and polar, at codon 623 of the FLNC protein (p.Asp623Glu). This variant is not present in population databases (gnomAD no frequency). This variant has not been reported in the literature in individuals affected with FLNC-related conditions. ClinVar contains an entry for this variant (Variation ID: 3774690). Invitae Evidence Modeling of protein sequence and biophysical properties (such as structural, functional, and spatial information, amino acid conservation, physicochemical variation, residue mobility, and thermodynamic stability) has been performed for this missense variant. However, the output from this modeling did not meet the statistical confidence thresholds required to predict the impact of this variant on FLNC protein function. In summary, the available evidence is currently insufficient to determine the role of this variant in disease. Therefore, it has been classified as a Variant of Uncertain Significance.

GeneDx
Classification: Uncertain significance. Last evaluated: 2024-09-25. Review status: criteria provided, single submitter. Criteria: GeneDx Variant Classification Process June 2021. Collection method: clinical testing. Allele origin: germline. Affected: yes.
Comment: Not observed at significant frequency in large population cohorts (gnomAD); In silico analysis supports that this missense variant has a deleterious effect on protein structure/function; Has not been previously published as pathogenic or benign to our knowledge